The following is an entry in ClinVar:

ClinVar aggregate classification (germline): Benign. Review status: criteria provided, multiple submitters, no conflicts (2 of 4 stars). 2 submissions from 2 submitters: Benign (2). Last evaluated 2018-01-13.

Conditions:
Galactosylceramide beta-galactosidase deficiency. Also called: GALACTOCEREBROSIDASE DEFICIENCY; GALC DEFICIENCY; GLOBOID CELL LEUKOENCEPHALOPATHY; Leukodystrophy, Globoid Cell; Krabbe Disease. Identifiers: Orphanet 487, MedGen C0023521, MONDO:0009499, OMIM 245200.

Allele frequency attached by ClinVar (database versions not stated): gnomAD 0.45472 and 0.46402; TOPMed 0.46165; 1000 Genomes Project 30x 0.48829; 1000 Genomes Project 0.49341.
gnomAD v4.1: 742,356 of 1,416,104 alleles (52%); highest among the groups gnomAD compares: East Asian, 76%; 199,782 homozygotes.

Submissions (2):

Illumina Laboratory Services, Illumina
Classification: Benign for Galactosylceramide beta-galactosidase deficiency. Last evaluated: 2018-01-13. Review status: criteria provided, single submitter. Criteria: ICSL Variant Classification Criteria 13 December 2019. Collection method: clinical testing. Allele origin: germline.
Comment: This variant was observed in the ICSL laboratory as part of a predisposition screen in an ostensibly healthy population. It had not been previously curated by ICSL or reported in the Human Gene Mutation Database (HGMD: prior to June 1st, 2018), and was therefore a candidate for classification through an automated scoring system. Utilizing variant allele frequency, disease prevalence and penetrance estimates, and inheritance mode, an automated score was calculated to assess if this variant is too frequent to cause the disease. Based on the score and internal cut-off values, a variant classified as benign is not then subjected to further curation. The score for this variant resulted in a classification of benign for this disease.

Breakthrough Genomics
Classification: Benign. Review status: criteria provided, single submitter. Criteria: ACMG Guidelines, 2015. Collection method: not provided. Allele origin: germline. Inheritance: Autosomal recessive inheritance. Affected: yes.

NM_000153.4(GALC):c.*590T>C

Gene: GALC (galactosylceramidase; minus strand). Cytogenetic location: 14q31.3.
Variant type: single nucleotide variant.
Coding change: c.*590T>C on transcript NM_000153.4 (MANE Select); 590 bases downstream of the stop codon, T replaced by C.
Molecular consequence: 3 prime UTR variant.
Genome position (GRCh38, 1-based): chr14:87,934,142, A>G on the plus strand (T>C on the coding strand, the complement: GALC is on the minus strand). VCF-style: chr14-87934142-A-G. GRCh37 (hg19) VCF-style: chr14-88400486-A-G.
Other names: c.*590T>C (NM_001201401.2, NM_001201402.2).
Identifiers: ClinVar variation 314741 (VCV000314741.6), dbSNP rs1042029, ClinGen allele CA10646462.
Genomic context (GRCh38, chr14:87,934,142, plus strand): 5'-ATTAATCTGCTAATATCTATTACTGCAGAAATAGTGTTAGAGGTAGTTTATTAAAGAGGC[A>G]TTTTTAAAATCATCCCACTCATCATATCCTGCATTTCAAAAGTATCATCTTAAAAAGGAA-3'